The following is an entry in ClinVar:

NM_015335.5(MED13L):c.2347G>A (p.Val783Ile)

Gene: MED13L (mediator complex subunit 13L; minus strand). Cytogenetic location: 12q24.21.
Variant type: single nucleotide variant.
Coding change: c.2347G>A on transcript NM_015335.5 (MANE Select); coding-DNA position 2347, G replaced by A.
Protein change: p.Val783Ile; replaces valine 783 with isoleucine.
Molecular consequence: missense variant.
Genome position (GRCh38, 1-based): chr12:116,005,991, C>T on the plus strand (G>A on the coding strand, the complement: MED13L is on the minus strand). VCF-style: chr12-116005991-C-T. GRCh37 (hg19) VCF-style: chr12-116443796-C-T.
Other names: short protein forms V783I.
Identifiers: ClinVar variation 3912034 (VCV003912034.2).
Genomic context (GRCh38, chr12:116,005,991, plus strand): 5'-AATCTGTTACCTGTGTAAGGCTACTGGAGCCAGCTCTGCCAGCAGCATTATCCTGCCGGA[C>T]ATCTGTAGGAAAGGAGGCAAAAGACACAGAATAAACAACTCCACCAAGCGCAAAGGAGTA-3'
Protein context (NP_056150.1, residues 773-793): SIFSSATKTD[Val783Ile]RQDNAAGRAG

ClinVar aggregate classification (germline): Uncertain significance (1 of 4 stars; one submission).

Submission:

Women's Health and Genetics/Laboratory Corporation of America, LabCorp
Classification: Uncertain significance. Last evaluated: 2025-07-07. Review status: criteria provided, single submitter. Criteria: LabCorp Variant Classification Summary - May 2015. Collection method: clinical testing. Allele origin: germline.
Comment: Variant summary: MED13L c.2347G>A (p.Val783Ile) results in a conservative amino acid change in the encoded protein sequence. Algorithms developed to predict the effect of missense changes on protein structure and function all suggest that this variant is likely to be tolerated. Consensus agreement among computation tools predict no significant impact on normal splicing. However, these predictions have yet to be confirmed by functional studies. The variant was absent in 250968 control chromosomes. The available data on variant occurrences in the general population are insufficient to allow any conclusion about variant significance. To our knowledge, no occurrence of c.2347G>A in individuals affected with Intellectual Disability And Distinctive Facial Features With Or Without Cardiac Defects and no experimental evidence demonstrating its impact on protein function have been reported. No submitters have cited clinical-significance assessments for this variant to ClinVar. Based on the evidence outlined above, the variant was classified as uncertain significance.